The following is an entry in ClinVar:

NM_177438.3(DICER1):c.548A>G (p.Asp183Gly)

Gene: DICER1 (dicer 1, ribonuclease III; minus strand). Cytogenetic location: 14q32.13.
Variant type: single nucleotide variant.
Coding change: c.548A>G on transcript NM_177438.3 (MANE Select); coding-DNA position 548, A replaced by G.
Protein change: p.Asp183Gly; replaces aspartic acid 183 with glycine.
Molecular consequence: missense variant.
Genome position (GRCh38, 1-based): chr14:95,130,083, T>C on the plus strand (A>G on the coding strand, the complement: DICER1 is on the minus strand). VCF-style: chr14-95130083-T-C. GRCh37 (hg19) VCF-style: chr14-95596420-T-C.
Other names: c.548A>G, p.Asp183Gly (NM_001195573.1, NM_001271282.3, NM_001291628.2 and 1 more transcripts); short protein forms D183G.
Identifiers: ClinVar variation 825769 (VCV000825769.9), dbSNP rs1595458785, ClinGen allele CA390888381.

ClinVar aggregate classification (germline): Uncertain significance. Review status: criteria provided, multiple submitters, no conflicts (2 of 4 stars). 2 submissions from 2 submitters: Uncertain significance (2). Last evaluated 2025-09-23.

Conditions:
Hereditary cancer-predisposing syndrome. Also called: Neoplastic Syndromes, Hereditary; Hereditary Cancer Syndrome; Hereditary neoplastic syndrome; Tumor predisposition. Identifiers: Orphanet 140162, MedGen C0027672, MeSH D009386, MONDO:0015356.
DICER1-related tumor predisposition. Also called: DICER1-related pleuropulmonary blastoma cancer predisposition syndrome; DICER1 syndrome. Identifiers: Orphanet 284343, MedGen C3839822, MONDO:0100216.

Allele frequency attached by ClinVar (database versions not stated): gnomAD exomes below 0.00001.
gnomAD v4.1: 1 of 1,613,502 alleles (0.000062%); highest among the groups gnomAD compares: Non-Finnish European, 0.000085%; no homozygotes.

Submissions (2):

Labcorp Genetics (formerly Invitae), Labcorp
Classification: Uncertain significance for DICER1-related tumor predisposition. Last evaluated: 2025-09-23. Review status: criteria provided, single submitter. Criteria: Invitae Variant Classification Sherloc (09022015). Collection method: clinical testing. Allele origin: germline.
Comment: This sequence change replaces aspartic acid, which is acidic and polar, with glycine, which is neutral and non-polar, at codon 183 of the DICER1 protein (p.Asp183Gly). This variant is not present in population databases (gnomAD no frequency). This variant has not been reported in the literature in individuals affected with DICER1-related conditions. ClinVar contains an entry for this variant (Variation ID: 825769). Invitae Evidence Modeling of protein sequence and biophysical properties (such as structural, functional, and spatial information, amino acid conservation, physicochemical variation, residue mobility, and thermodynamic stability) indicates that this missense variant is not expected to disrupt DICER1 protein function with a negative predictive value of 95%. In summary, the available evidence is currently insufficient to determine the role of this variant in disease. Therefore, it has been classified as a Variant of Uncertain Significance.

Ambry Genetics
Classification: Uncertain significance for Hereditary cancer-predisposing syndrome. Last evaluated: 2020-07-01. Review status: criteria provided, single submitter. Criteria: Ambry Variant Classification Scheme 2023. Collection method: clinical testing. Allele origin: germline.
Comment: The p.D183G variant (also known as c.548A>G), located in coding exon 4 of the DICER1 gene, results from an A to G substitution at nucleotide position 548. The aspartic acid at codon 183 is replaced by glycine, an amino acid with similar properties. This amino acid position is well conserved in available vertebrate species. In addition, this alteration is predicted to be deleterious by in silico analysis. Since supporting evidence is limited at this time, the clinical significance of this alteration remains unclear.